The following is an entry in ClinVar:

ClinVar aggregate classification (germline): Uncertain significance. Review status: criteria provided, multiple submitters, no conflicts (2 of 4 stars). 2 submissions from 2 submitters: Uncertain significance (2). Last evaluated 2025-12-09.

Conditions:
Inborn genetic diseases. Identifiers: MedGen C0950123, MeSH D030342.

Allele frequency attached by ClinVar (database versions not stated): gnomAD exomes below 0.00001.

Submissions (2):

Ambry Genetics
Classification: Uncertain significance for Inborn genetic diseases. Last evaluated: 2025-12-09. Review status: criteria provided, single submitter. Criteria: Ambry Variant Classification Scheme 2023. Collection method: clinical testing. Allele origin: germline.

GeneDx
Classification: Uncertain significance. Last evaluated: 2021-09-07. Review status: criteria provided, single submitter. Criteria: GeneDx Variant Classification Process June 2021. Collection method: clinical testing. Allele origin: germline. Affected: yes.
Comment: Not observed at significant frequency in large population cohorts (gnomAD); In silico analysis supports that this missense variant does not alter protein structure/function; Has not been previously published as pathogenic or benign to our knowledge; In silico analysis, which includes splice predictors and evolutionary conservation, suggests this variant may impact gene splicing. In the absence of RNA/functional studies, the actual effect of this sequence change is unknown.

NM_007255.3(B4GALT7):c.104T>A (p.Phe35Tyr)

Gene: B4GALT7 (beta-1,4-galactosyltransferase 7; plus strand). Cytogenetic location: 5q35.3.
Variant type: single nucleotide variant.
Coding change: c.104T>A on transcript NM_007255.3 (MANE Select); coding-DNA position 104, T replaced by A.
Protein change: p.Phe35Tyr; replaces phenylalanine 35 with tyrosine.
Molecular consequence: missense variant.
Genome position (GRCh38, 1-based): chr5:177,604,232, T>A. VCF-style: chr5-177604232-T-A. GRCh37 (hg19) VCF-style: chr5-177031233-T-A.
Other names: short protein forms F35Y.
Identifiers: ClinVar variation 1343062 (VCV001343062.3), dbSNP rs1296346393, ClinGen allele CA362372604.
Genomic context (GRCh38, chr5:177,604,232, plus strand): 5'-GCTCCAGGTCCGGGTTGCTCTCCGGCGGCCTCCCTCGGAAGTGTTCCGTCTTCCACCTGT[T>A]CGTGGCCTGCCTCTCGCTGGGCTTCTTCTCCCTACTCTGGCTGCAGCTCAGCTGCTCTGG-3'
Protein context (NP_009186.1, residues 25-45): LPRKCSVFHL[Phe35Tyr]VACLSLGFFS